The following is an entry in ClinVar:

NM_007294.4(BRCA1):c.1558A>C (p.Lys520Gln)

Gene: BRCA1 (BRCA1 DNA repair associated; minus strand). Cytogenetic location: 17q21.31.
Variant type: single nucleotide variant.
Coding change: c.1558A>C on transcript NM_007294.4 (MANE Select); coding-DNA position 1558, A replaced by C.
Protein change: p.Lys520Gln; replaces lysine 520 with glutamine.
Molecular consequence: missense variant. On other transcripts: intron variant (137).
Genome position (GRCh38, 1-based): chr17:43,093,973, T>G on the plus strand (A>C on the coding strand, the complement: BRCA1 is on the minus strand). VCF-style: chr17-43093973-T-G. GRCh37 (hg19) VCF-style: chr17-41245990-T-G.
Other names: c.1294A>C, p.Lys432Gln (NM_001407924.1, NM_001407929.1, NM_001407925.1 and 9 more transcripts); c.1291A>C, p.Lys431Gln (NM_001407930.1, NM_001407931.1, NM_001407932.1 and 2 more transcripts); c.784+771A>C (NM_001408402.1, NM_001408473.1, NM_001408399.1 and 13 more transcripts); c.664+771A>C (NM_001408443.1, NM_001408439.1, NM_001408425.1 and 12 more transcripts); c.670+1873A>C (NM_001408419.1, NM_001408422.1, NM_001408418.1 and 2 more transcripts); c.787+771A>C (NM_001408403.1, NM_001407983.1, NM_001407975.1 and 19 more transcripts); c.790+768A>C (NM_001408406.1); c.646+771A>C (NM_001408456.1, NM_001408410.1, NM_001408458.1 and 11 more transcripts); and 40 more; short protein forms K520Q, K473Q, K408Q, K409Q, K472Q, K479Q, K493Q, K224Q.
Identifiers: ClinVar variation 462563 (VCV000462563.12), dbSNP rs1555591572, ClinGen allele CA10598930.

ClinVar aggregate classification (germline): Conflicting classifications of pathogenicity. Review status: criteria provided, conflicting classifications (1 of 4 stars). 2 submissions from 2 submitters: Uncertain significance (1); Likely benign (1). Last evaluated 2023-03-23.

Conditions:
Hereditary breast ovarian cancer syndrome. Also called: Hereditary breast and ovarian cancer syndrome (HBOC); Hereditary breast and ovarian cancer syndrome; Breast and ovarian cancer; Hereditary breast and/or ovarian cancer syndrome; Hereditary breast and ovarian cancer; BRCA1- and BRCA2-Associated Hereditary Breast and Ovarian Cancer. Identifiers: Orphanet 145, MedGen C0677776, MeSH D061325, MONDO:0003582. Disease mechanism: loss of function.
Hereditary cancer-predisposing syndrome. Also called: Neoplastic Syndromes, Hereditary; Hereditary Cancer Syndrome; Hereditary neoplastic syndrome; Tumor predisposition. Identifiers: Orphanet 140162, MedGen C0027672, MeSH D009386, MONDO:0015356.

Submissions (2):

University of Washington Department of Laboratory Medicine, University of Washington
Classification: Likely benign for Hereditary cancer-predisposing syndrome. Last evaluated: 2023-03-23. Review status: criteria provided, single submitter. Criteria: Dines et al. (Genet Med. 2020). Collection method: curation. Allele origin: germline.
Comment: Missense variant in a coldspot region where missense variants are very unlikely to be pathogenic (PMID:31911673).

BRCA1 coldspot (exon 11 using historical exon numbering). Reclassification based on statistical prior probability

Labcorp Genetics (formerly Invitae), Labcorp
Classification: Uncertain significance for Hereditary breast ovarian cancer syndrome. Last evaluated: 2017-07-31. Review status: criteria provided, single submitter. Criteria: Invitae Variant Classification Sherloc (09022015). Collection method: clinical testing. Allele origin: germline.
Comment: In summary, the available evidence is currently insufficient to determine the role of this variant in disease. Therefore, it has been classified as a Variant of Uncertain Significance. Algorithms developed to predict the effect of missense changes on protein structure and function do not agree on the potential impact of this missense change (SIFT: "Tolerated"; PolyPhen-2: "Possibly Damaging"; Align-GVGD: "Class C0"). This variant has not been reported in the literature in individuals with BRCA1-related disease. This variant is not present in population databases (ExAC no frequency). This sequence change replaces lysine with glutamine at codon 520 of the BRCA1 protein (p.Lys520Gln). The lysine residue is highly conserved and there is a small physicochemical difference between lysine and glutamine.